The following is an entry in ClinVar:

NM_001267550.2(TTN):c.7242T>C (p.Ile2414=)

Genes: TTN (titin; minus strand), LOC126806433 (BRD4-independent group 4 enhancer GRCh37_chr2:179638309-179639508; plus strand). Cytogenetic location: 2q31.2.
Variant type: single nucleotide variant.
Coding change: c.7242T>C on transcript NM_001267550.2 (MANE Select); coding-DNA position 7242, T replaced by C.
Protein change: p.Ile2414=; no amino-acid change (isoleucine 2414 retained).
Molecular consequence: synonymous variant.
Genome position (GRCh38, 1-based): chr2:178,773,926, A>G on the plus strand (T>C on the coding strand, the complement: TTN is on the minus strand). VCF-style: chr2-178773926-A-G. GRCh37 (hg19) VCF-style: chr2-179638653-A-G.
Other names: c.7242T>C, p.Ile2414= (NM_133378.4, NM_001256850.1, NM_133379.5); c.7104T>C, p.Ile2368= (NM_003319.4, NM_133432.3, NM_133437.4).
Identifiers: ClinVar variation 166308 (VCV000166308.17), dbSNP rs727503689, ClinGen allele CA179266.

ClinVar aggregate classification (germline): Likely benign. Review status: criteria provided, multiple submitters, no conflicts (2 of 4 stars). 3 submissions from 3 submitters: Likely benign (3). Last evaluated 2025-03-13.

Conditions:
Autosomal recessive limb-girdle muscular dystrophy type 2J (LGMDR10). Also called: Limb-girdle muscular dystrophy, type 2J; MUSCULAR DYSTROPHY, LIMB-GIRDLE, AUTOSOMAL RECESSIVE 10. Identifiers: Orphanet 140922, MedGen C1837342, MONDO:0012127, OMIM 608807.
Dilated cardiomyopathy 1G (CMD1G). Identifiers: Orphanet 154, MedGen C1858763, MONDO:0011400, OMIM 604145.

Allele frequency attached by ClinVar (database versions not stated): gnomAD 0.00001 and below 0.00001; TOPMed 0.00001; gnomAD exomes 0.00003 and 0.00005; ExAC 0.00006.
gnomAD v4.1: 48 of 1,613,988 alleles (0.003%); highest among the groups gnomAD compares: South Asian, 0.045%; 1 homozygote.

Submissions (3):

Labcorp Genetics (formerly Invitae), Labcorp
Classification: Likely benign for Dilated cardiomyopathy 1G; Autosomal recessive limb-girdle muscular dystrophy type 2J. Last evaluated: 2025-03-13. Review status: criteria provided, single submitter. Criteria: Invitae Variant Classification Sherloc (09022015). Collection method: clinical testing. Allele origin: germline.

Blueprint Genetics
Classification: Likely benign. Last evaluated: 2022-06-27. Review status: criteria provided, single submitter. Criteria: ACMG Guidelines, 2015. Collection method: clinical testing. Allele origin: germline.

Laboratory for Molecular Medicine, Mass General Brigham Personalized Medicine
Classification: Likely benign. Last evaluated: 2014-06-10. Review status: criteria provided, single submitter. Criteria: LMM Criteria. Collection method: clinical testing. Allele origin: germline. Observed: 1 variant allele.
Comment: Ile2414Ile in exon 31 of TTN: This variant is not expected to have clinical sign ificance because it does not alter an amino acid residue and is not located with in the splice consensus sequence.